The following is an entry in ClinVar:

NM_000135.4(FANCA):c.2905G>A (p.Ala969Thr)

Gene: FANCA (FA complementation group A; minus strand). Cytogenetic location: 16q24.3.
Variant type: single nucleotide variant.
Coding change: c.2905G>A on transcript NM_000135.4 (MANE Select); coding-DNA position 2905, G replaced by A.
Protein change: p.Ala969Thr; replaces alanine 969 with threonine.
Molecular consequence: missense variant.
Genome position (GRCh38, 1-based): chr16:89,758,653, C>T on the plus strand (G>A on the coding strand, the complement: FANCA is on the minus strand). VCF-style: chr16-89758653-C-T. GRCh37 (hg19) VCF-style: chr16-89825061-C-T.
Other names: c.2905G>A, p.Ala969Thr (NM_001286167.3); c.2905G>A (NM_000135.3); short protein forms A969T.
Identifiers: ClinVar variation 2335523 (VCV002335523.4), dbSNP rs2143224881, ClinGen allele CA397431367.

ClinVar aggregate classification (germline): Uncertain significance. Review status: criteria provided, single submitter (1 of 4 stars). 2 submissions from 2 submitters: Uncertain significance (1). 1 of the submissions does not count toward it. Last evaluated 2025-06-13.

Conditions:
Fanconi anemia (FA). Also called: Fanconi's anemia. Identifiers: Orphanet 84, MedGen C0015625, MeSH D005199, MONDO:0019391.
Inborn genetic diseases. Identifiers: MedGen C0950123, MeSH D030342.

Allele frequency attached by ClinVar (database versions not stated): gnomAD exomes below 0.00001.

Submissions (2):

Ambry Genetics
Classification: Uncertain significance for Inborn genetic diseases. Last evaluated: 2025-06-13. Review status: criteria provided, single submitter. Criteria: Ambry Variant Classification Scheme 2023. Collection method: clinical testing. Allele origin: germline.
Comment: The p.A969T variant (also known as c.2905G>A), located in coding exon 30 of the FANCA gene, results from a G to A substitution at nucleotide position 2905. The alanine at codon 969 is replaced by threonine, an amino acid with similar properties. This amino acid position is conserved. In addition, this alteration is predicted to be tolerated by in silico analysis. Based on the available evidence, the clinical significance of this variant remains unclear.

Natera, Inc.
Classification: Uncertain significance for Fanconi anemia. Last evaluated: 2025-05-21. Review status: no assertion criteria provided. Collection method: clinical testing. Allele origin: germline. Not counted in ClinVar's aggregate classification.